The following is an entry in ClinVar:

ClinVar aggregate classification (germline): Uncertain significance. Review status: criteria provided, multiple submitters, no conflicts (2 of 4 stars). 2 submissions from 2 submitters: Uncertain significance (2). Last evaluated 2024-08-30.

Allele frequency attached by ClinVar (database versions not stated): ExAC 0.00001; TOPMed 0.00003; gnomAD 0.00005.
gnomAD v4.1: 7 of 1,613,208 alleles (0.00043%); highest among the groups gnomAD compares: African/African-American, 0.0093%; no homozygotes.

Submissions (2):

GeneDx
Classification: Uncertain significance. Last evaluated: 2024-08-30. Review status: criteria provided, single submitter. Criteria: GeneDx Variant Classification Process June 2021. Collection method: clinical testing. Allele origin: germline. Affected: yes.
Comment: Not observed at significant frequency in large population cohorts (gnomAD); In silico analysis indicates that this missense variant does not alter protein structure/function; Has not been previously published as pathogenic or benign to our knowledge

Labcorp Genetics (formerly Invitae), Labcorp
Classification: Uncertain significance. Last evaluated: 2023-08-02. Review status: criteria provided, single submitter. Criteria: Invitae Variant Classification Sherloc (09022015). Collection method: clinical testing. Allele origin: germline.
Comment: In summary, the available evidence is currently insufficient to determine the role of this variant in disease. Therefore, it has been classified as a Variant of Uncertain Significance. Advanced modeling of protein sequence and biophysical properties (such as structural, functional, and spatial information, amino acid conservation, physicochemical variation, residue mobility, and thermodynamic stability) performed at Invitae indicates that this missense variant is not expected to disrupt SAMD9L protein function. This variant has not been reported in the literature in individuals affected with SAMD9L-related conditions. This variant is present in population databases (rs755831687, gnomAD 0.01%). This sequence change replaces serine, which is neutral and polar, with isoleucine, which is neutral and non-polar, at codon 393 of the SAMD9L protein (p.Ser393Ile).

NM_152703.5(SAMD9L):c.1178G>T (p.Ser393Ile)

Gene: SAMD9L (sterile alpha motif domain containing 9 like; minus strand). Cytogenetic location: 7q21.2.
Variant type: single nucleotide variant.
Coding change: c.1178G>T on transcript NM_152703.5 (MANE Select); coding-DNA position 1178, G replaced by T.
Protein change: p.Ser393Ile; replaces serine 393 with isoleucine.
Molecular consequence: missense variant.
Genome position (GRCh38, 1-based): chr7:93,134,794, C>A on the plus strand (G>T on the coding strand, the complement: SAMD9L is on the minus strand). VCF-style: chr7-93134794-C-A. GRCh37 (hg19) VCF-style: chr7-92764107-C-A.
Other names: c.1178G>T, p.Ser393Ile (NM_001350082.2, NM_001350083.2, NM_001350084.2 and 5 more transcripts); c.1178G>T (NM_152703.3); short protein forms S393I.
Identifiers: ClinVar variation 3017936 (VCV003017936.4), dbSNP rs755831687, ClinGen allele CA4343760.